The following is an entry in ClinVar:

ClinVar aggregate classification (germline): Uncertain significance (1 of 4 stars; one submission).

Allele frequency attached by ClinVar (database versions not stated): gnomAD exomes below 0.00001; TOPMed 0.00001.
gnomAD v4.1: 7 of 1,613,534 alleles (0.00043%); highest among the groups gnomAD compares: Non-Finnish European, 0.00051%; no homozygotes.

Submission:

Labcorp Genetics (formerly Invitae), Labcorp
Classification: Uncertain significance. Last evaluated: 2022-06-14. Review status: criteria provided, single submitter. Criteria: Invitae Variant Classification Sherloc (09022015). Collection method: clinical testing. Allele origin: germline.
Comment: This sequence change replaces arginine, which is basic and polar, with tryptophan, which is neutral and slightly polar, at codon 435 of the GGCX protein (p.Arg435Trp). This variant is not present in population databases (gnomAD no frequency). This variant has not been reported in the literature in individuals affected with GGCX-related conditions. Algorithms developed to predict the effect of missense changes on protein structure and function are either unavailable or do not agree on the potential impact of this missense change (SIFT: "Deleterious"; PolyPhen-2: "Probably Damaging"; Align-GVGD: "Class C15"). Algorithms developed to predict the effect of sequence changes on RNA splicing suggest that this variant may disrupt the consensus splice site. In summary, the available evidence is currently insufficient to determine the role of this variant in disease. Therefore, it has been classified as a Variant of Uncertain Significance.

NM_000821.7(GGCX):c.1303C>T (p.Arg435Trp)

Gene: GGCX (gamma-glutamyl carboxylase; minus strand). Cytogenetic location: 2p11.2.
Variant type: single nucleotide variant.
Coding change: c.1303C>T on transcript NM_000821.7 (MANE Select); coding-DNA position 1303, C replaced by T.
Protein change: p.Arg435Trp; replaces arginine 435 with tryptophan.
Molecular consequence: missense variant.
Genome position (GRCh38, 1-based): chr2:85,552,552, G>A on the plus strand (C>T on the coding strand, the complement: GGCX is on the minus strand). VCF-style: chr2-85552552-G-A. GRCh37 (hg19) VCF-style: chr2-85779675-G-A.
Other names: c.1132C>T, p.Arg378Trp (NM_001142269.4); short protein forms R435W, R378W.
Identifiers: ClinVar variation 1938343 (VCV001938343.2), dbSNP rs1692008345, ClinGen allele CA347486745.
Genomic context (GRCh38, chr2:85,552,552, plus strand): 5'-GCAGGCGGCTCAGGCAAGTGGCATATTGCTTCAGCATGTCTGCATGATCCTTCCATCGCC[G>A]ACTCTGTGTAAATACCTGCCCCAAACCCCCATATTAGTCCCACCTCATCATTATCAACTT-3'
Protein context (NP_000812.2, residues 425-445): YLNPGVFTQS[Arg435Trp]RWKDHADMLK